The following is an entry in ClinVar:

NM_001165963.4(SCN1A):c.1313A>G (p.Glu438Gly)

Gene: SCN1A (sodium voltage-gated channel alpha subunit 1; minus strand). Cytogenetic location: 2q24.3.
Variant type: single nucleotide variant.
Coding change: c.1313A>G on transcript NM_001165963.4 (MANE Select); coding-DNA position 1313, A replaced by G.
Protein change: p.Glu438Gly; replaces glutamic acid 438 with glycine.
Molecular consequence: missense variant. On other transcripts: 5 prime UTR variant (1), non-coding transcript variant (1).
Genome position (GRCh38, 1-based): chr2:166,046,834, T>C on the plus strand (A>G on the coding strand, the complement: SCN1A is on the minus strand). VCF-style: chr2-166046834-T-C. GRCh37 (hg19) VCF-style: chr2-166903344-T-C.
Other names: c.1313A>G, p.Glu438Gly (NM_001165964.3, NM_001202435.3, NM_001353948.2 and 10 more transcripts); c.-1113A>G (NM_001353961.2); short protein forms E438G.
Identifiers: ClinVar variation 1309552 (VCV001309552.6), dbSNP rs2105861457, ClinGen allele CA349070581.

ClinVar aggregate classification (germline): Uncertain significance. Review status: criteria provided, multiple submitters, no conflicts (2 of 4 stars). 3 submissions from 3 submitters: Uncertain significance (3). Last evaluated 2025-11-17.

Conditions:
Early-infantile DEE. Also called: Early infantile epileptic encephalopathy; Early infantile epileptic encephalopathy with suppression bursts; Ohtahara syndrome. Identifiers: Orphanet 1934, MedGen C0393706, MONDO:0800491.

Submissions (3):

Women's Health and Genetics/Laboratory Corporation of America, LabCorp
Classification: Uncertain significance. Last evaluated: 2025-11-17. Review status: criteria provided, single submitter. Criteria: LabCorp Variant Classification Summary - May 2015. Collection method: clinical testing. Allele origin: germline.
Comment: Variant summary: SCN1A c.1313A>G (p.Glu438Gly) results in a non-conservative amino acid change in the encoded protein sequence. Algorithms developed to predict the effect of missense changes on protein structure and function all suggest that this variant is likely to be disruptive. The variant was absent in 251260 control chromosomes. The available data on variant occurrences in the general population are insufficient to allow any conclusion about variant significance. To our knowledge, no occurrence of c.1313A>G in individuals affected with SCN1A-related conditions and no experimental evidence demonstrating its impact on protein function have been reported. ClinVar contains an entry for this variant (Variation ID: 1309552). Based on the evidence outlined above, the variant was classified as uncertain significance.

Labcorp Genetics (formerly Invitae), Labcorp
Classification: Uncertain significance for Early-infantile DEE. Last evaluated: 2024-01-18. Review status: criteria provided, single submitter. Criteria: Invitae Variant Classification Sherloc (09022015). Collection method: clinical testing. Allele origin: germline.
Comment: This sequence change replaces glutamic acid, which is acidic and polar, with glycine, which is neutral and non-polar, at codon 438 of the SCN1A protein (p.Glu438Gly). This variant is not present in population databases (gnomAD no frequency). This variant has not been reported in the literature in individuals affected with SCN1A-related conditions. ClinVar contains an entry for this variant (Variation ID: 1309552). Advanced modeling of protein sequence and biophysical properties (such as structural, functional, and spatial information, amino acid conservation, physicochemical variation, residue mobility, and thermodynamic stability) performed at Invitae indicates that this missense variant is not expected to disrupt SCN1A protein function with a negative predictive value of 95%. In summary, the available evidence is currently insufficient to determine the role of this variant in disease. Therefore, it has been classified as a Variant of Uncertain Significance.

GeneDx
Classification: Uncertain significance. Last evaluated: 2019-10-24. Review status: criteria provided, single submitter. Criteria: GeneDx Variant Classification Process June 2021. Collection method: clinical testing. Allele origin: germline. Affected: yes.
Comment: Not observed in large population cohorts (Lek et al., 2016); The majority of missense variants in this gene are considered pathogenic (Stenson et al., 2014); In silico analysis, which includes protein predictors and evolutionary conservation, supports a deleterious effect; Has not been previously published as pathogenic or benign to our knowledge; This substitution is predicted to be in the cytoplasmic loop between the first and second homologous domains